The following is an entry in ClinVar:

NM_004646.4(NPHS1):c.2446del (p.Cys816fs)

Gene: NPHS1 (NPHS1 adhesion molecule, nephrin; minus strand). Cytogenetic location: 19q13.12.
Variant type: Deletion.
Coding change: c.2446del on transcript NM_004646.4 (MANE Select); coding-DNA position 2446, one base deleted (T; older notation c.2446delT).
Protein change: p.Cys816fs; shifts the reading frame from cysteine 816.
Molecular consequence: frameshift variant.
Genome position (GRCh38, 1-based): chr19:35,842,439, A deleted on the plus strand (T on the coding strand, the reverse complement: NPHS1 is on the minus strand). VCF-style (leftmost placement, unchanged base first): chr19-35842438-CA-C. GRCh37 (hg19) VCF-style: chr19-36333340-CA-C.
Other names: short protein forms C816fs.
Identifiers: ClinVar variation 5014985 (VCV005014985.1).

ClinVar aggregate classification (germline): Pathogenic (1 of 4 stars; one submission).

Conditions:
Finnish congenital nephrotic syndrome (NPHS1). Also called: NEPHROTIC SYNDROME, TYPE 1. Identifiers: Orphanet 839, MedGen C0403399, MONDO:0009732, OMIM 256300.

Submission:

Myriad Genetics, Inc.
Classification: Pathogenic for Finnish congenital nephrotic syndrome. Last evaluated: 2025-09-16. Review status: criteria provided, single submitter. Criteria: Myriad Autosomal Dominant, Autosomal Recessive and X-Linked Classification Criteria (2023). Collection method: clinical testing. Allele origin: unknown.
Comment: NM_004646.3(NPHS1):c.2446delT(C816Afs*31) is expected to be pathogenic in the context of nephrotic syndrome, NPHS1-related. This variant is predicted to lead to an abnormal or absent protein product due to the creation of a premature termination codon in NPHS1, a gene where loss-of-function variants are known to be pathogenic. Please note: this variant was assessed in the context of healthy population screening.